The following is an entry in ClinVar:

ClinVar aggregate classification (germline): Uncertain significance (1 of 4 stars; one submission).

gnomAD v4.1: 13 of 1,575,348 alleles (0.00083%); highest among the groups gnomAD compares: Non-Finnish European, 0.0011%; no homozygotes.

Submission:

Ambry Genetics
Classification: Uncertain significance. Last evaluated: 2025-06-28. Review status: criteria provided, single submitter. Criteria: Ambry Variant Classification Scheme 2023. Collection method: clinical testing. Allele origin: germline.
Comment: The p.P1941A variant (also known as c.5821C>G), located in coding exon 23 of the WNK2 gene, results from a C to G substitution at nucleotide position 5821. The proline at codon 1941 is replaced by alanine, an amino acid with highly similar properties. This amino acid position is conserved. In addition, the in silico prediction for this alteration is inconclusive. Based on the available evidence, the clinical significance of this variant remains unclear.

NM_006648.4(WNK2):c.5821C>G (p.Pro1941Ala)

Gene: WNK2 (WNK lysine deficient protein kinase 2; plus strand). Cytogenetic location: 9q22.31.
Variant type: single nucleotide variant.
Coding change: c.5821C>G on transcript NM_006648.4 (MANE Select); coding-DNA position 5821, C replaced by G.
Protein change: p.Pro1941Ala; replaces proline 1941 with alanine.
Molecular consequence: missense variant.
Genome position (GRCh38, 1-based): chr9:93,297,965, C>G. VCF-style: chr9-93297965-C-G. GRCh37 (hg19) VCF-style: chr9-96060247-C-G.
Other names: c.5932C>G, p.Pro1978Ala (NM_001282394.3); short protein forms P1941A, P1978A.
Identifiers: ClinVar variation 4201573 (VCV004201573.1).